The following is an entry in ClinVar:

NM_000395.3(CSF2RB):c.1252C>T (p.Arg418Cys)

Gene: CSF2RB (colony stimulating factor 2 receptor subunit beta; plus strand). Cytogenetic location: 22q12.3.
Variant type: single nucleotide variant.
Coding change: c.1252C>T on transcript NM_000395.3 (MANE Select); coding-DNA position 1252, C replaced by T.
Protein change: p.Arg418Cys; replaces arginine 418 with cysteine.
Molecular consequence: missense variant.
Genome position (GRCh38, 1-based): chr22:36,933,931, C>T. VCF-style: chr22-36933931-C-T. GRCh37 (hg19) VCF-style: chr22-37329973-C-T.
Other names: c.1270C>T, p.Arg424Cys (NM_001410827.1); short protein forms R418C, R424C.
Identifiers: ClinVar variation 2597661 (VCV002597661.5), dbSNP rs369450671, ClinGen allele CA10213752.

ClinVar aggregate classification (germline): Uncertain significance. Review status: criteria provided, multiple submitters, no conflicts (2 of 4 stars). 2 submissions from 2 submitters: Uncertain significance (2). Last evaluated 2025-03-21.

Conditions:
Inborn genetic diseases. Identifiers: MedGen C0950123, MeSH D030342.

Allele frequency attached by ClinVar (database versions not stated): gnomAD 0.00003; ESP Exome Variant Server 0.00008; gnomAD exomes 0.00003; TOPMed 0.00002.
gnomAD v4.1: 40 of 1,612,574 alleles (0.0025%); highest among the groups gnomAD compares: Non-Finnish European, 0.0031%; no homozygotes.

Submissions (2):

Labcorp Genetics (formerly Invitae), Labcorp
Classification: Uncertain significance. Last evaluated: 2025-03-21. Review status: criteria provided, single submitter. Criteria: Invitae Variant Classification Sherloc (09022015). Collection method: clinical testing. Allele origin: germline.
Comment: This sequence change replaces arginine, which is basic and polar, with cysteine, which is neutral and slightly polar, at codon 418 of the CSF2RB protein (p.Arg418Cys). This variant is present in population databases (rs369450671, gnomAD 0.01%). This variant has not been reported in the literature in individuals affected with CSF2RB-related conditions. ClinVar contains an entry for this variant (Variation ID: 2597661). Invitae Evidence Modeling of protein sequence and biophysical properties (such as structural, functional, and spatial information, amino acid conservation, physicochemical variation, residue mobility, and thermodynamic stability) indicates that this missense variant is not expected to disrupt CSF2RB protein function with a negative predictive value of 80%. In summary, the available evidence is currently insufficient to determine the role of this variant in disease. Therefore, it has been classified as a Variant of Uncertain Significance.

Ambry Genetics
Classification: Uncertain significance for Inborn genetic diseases. Last evaluated: 2023-07-25. Review status: criteria provided, single submitter. Criteria: Ambry Variant Classification Scheme 2023. Collection method: clinical testing. Allele origin: germline.